The following is an entry in ClinVar:

ClinVar aggregate classification (germline): Likely benign (0 of 4 stars; one submission).

Conditions:
WDFY3-related disorder.

Allele frequency attached by ClinVar (database versions not stated): TOPMed 0.00003; 1000 Genomes Project 0.00100; 1000 Genomes Project 30x 0.00125.
gnomAD v4.1: 223 of 1,614,008 alleles (0.014%); highest among the groups gnomAD compares: South Asian, 0.23%; 1 homozygote.

Submission:

PreventionGenetics, part of Exact Sciences
Classification: Likely benign for WDFY3-related condition. Last evaluated: 2022-08-17. Review status: no assertion criteria provided. Collection method: clinical testing. Allele origin: germline.
Comment: This variant is classified as likely benign based on ACMG/AMP sequence variant interpretation guidelines (Richards et al. 2015 PMID: 25741868, with internal and published modifications).

NM_014991.6(WDFY3):c.7041C>A (p.Ile2347=)

Gene: WDFY3 (WD repeat and FYVE domain containing 3; minus strand). Cytogenetic location: 4q21.23.
Variant type: single nucleotide variant.
Coding change: c.7041C>A on transcript NM_014991.6 (MANE Select); coding-DNA position 7041, C replaced by A.
Protein change: p.Ile2347=; no amino-acid change (isoleucine 2347 retained).
Molecular consequence: synonymous variant.
Genome position (GRCh38, 1-based): chr4:84,733,562, G>T on the plus strand (C>A on the coding strand, the complement: WDFY3 is on the minus strand). VCF-style: chr4-84733562-G-T. GRCh37 (hg19) VCF-style: chr4-85654715-G-T.
Identifiers: ClinVar variation 3036642 (VCV003036642.2), dbSNP rs561919899, ClinGen allele CA2992707.